The following is an entry in ClinVar:

NM_001009944.3(PKD1):c.8162-13C>T

Gene: PKD1 (polycystin 1, transient receptor potential channel interacting; minus strand). Cytogenetic location: 16p13.3.
Variant type: single nucleotide variant.
Coding change: c.8162-13C>T on transcript NM_001009944.3 (MANE Select); 13 bases into the intron before coding-DNA position 8162, C replaced by T.
Molecular consequence: intron variant.
Genome position (GRCh38, 1-based): chr16:2,103,908, G>A on the plus strand (C>T on the coding strand, the complement: PKD1 is on the minus strand). VCF-style: chr16-2103908-G-A. GRCh37 (hg19) VCF-style: chr16-2153909-G-A.
Other names: c.8162-13C>T (NM_000296.4).
Identifiers: ClinVar variation 3768321 (VCV003768321.1).

ClinVar aggregate classification (germline): Likely benign (1 of 4 stars; one submission).

gnomAD v4.1: 143 of 1,479,776 alleles (0.0097%); highest among the groups gnomAD compares: Middle Eastern, 0.025%; no homozygotes.

Submission:

Women's Health and Genetics/Laboratory Corporation of America, LabCorp
Classification: Likely benign. Last evaluated: 2024-12-03. Review status: criteria provided, single submitter. Criteria: LabCorp Variant Classification Summary - May 2015. Collection method: clinical testing. Allele origin: germline.
Comment: Variant summary: PKD1 c.8162-13C>T alters a non-conserved nucleotide located at a position not widely known to affect splicing. Consensus agreement among computation tools predict no significant impact on normal splicing. However, these predictions have yet to be confirmed by functional studies. The variant allele was found at a frequency of 0.00011 in 198180 control chromosomes. This frequency is not significantly higher than estimated for a pathogenic variant in PKD1 causing Polycystic Kidney Disease 1 (0.00011 vs 0.0005), allowing no conclusion about variant significance. To our knowledge, no occurrence of c.8162-13C>T in individuals affected with Polycystic Kidney Disease 1 and no experimental evidence demonstrating its impact on protein function have been reported. No submitters have cited clinical-significance assessments for this variant to ClinVar. Based on the evidence outlined above, the variant was classified as likely benign.